The following is an entry in ClinVar:

ClinVar aggregate classification (germline): Uncertain significance (1 of 4 stars; one submission).

Submission:

GeneDx
Classification: Uncertain significance. Last evaluated: 2025-04-28. Review status: criteria provided, single submitter. Criteria: GeneDx Variant Classification Process June 2021. Collection method: clinical testing. Allele origin: germline. Affected: yes.
Comment: Not observed at significant frequency in large population cohorts (gnomAD); In silico analysis supports that this missense variant has a deleterious effect on protein structure/function; Has not been previously published as pathogenic or benign to our knowledge; In silico analysis suggests this variant may impact gene splicing. In the absence of RNA/functional studies, the actual effect of this sequence change is unknown.

NM_001318852.2(MAPK8IP3):c.3022C>T (p.His1008Tyr)

Gene: MAPK8IP3 (mitogen-activated protein kinase 8 interacting protein 3; plus strand). Cytogenetic location: 16p13.3.
Variant type: single nucleotide variant.
Coding change: c.3022C>T on transcript NM_001318852.2 (MANE Select); coding-DNA position 3022, C replaced by T.
Protein change: p.His1008Tyr; replaces histidine 1008 with tyrosine.
Molecular consequence: missense variant.
Genome position (GRCh38, 1-based): chr16:1,766,905, C>T. VCF-style: chr16-1766905-C-T. GRCh37 (hg19) VCF-style: chr16-1816906-C-T.
Other names: c.3001C>T, p.His1001Tyr (NM_001040439.2); c.3019C>T, p.His1007Tyr (NM_015133.5, NM_033392.3); short protein forms H1001Y, H1007Y, H1008Y.
Identifiers: ClinVar variation 1810177 (VCV001810177.2), dbSNP rs371698624, ClinGen allele CA394237047.
Genomic context (GRCh38, chr16:1,766,905, plus strand): 5'-GGGGCGGAGGGGGCTGGCACAGCCTGGCCCAAACCAGGCTCACCGCATTCCTGTTTCAGG[C>T]ATGTCAAAGGCCGTGTGCTGGTGGCTCTGGCGGACGGGACCCTGGCCATCTTCCACCGTG-3'
Protein context (NP_001305781.1, residues 998-1018): KLKDSVLSLV[His1008Tyr]VKGRVLVALA